The following is an entry in ClinVar:

NC_000011.10:g.47347499G>T

Gene: MYBPC3 (myosin binding protein C3; minus strand). Cytogenetic location: 11p11.2.
Variant type: single nucleotide variant.
Genome position: GRCh38 VCF-style: chr11-47347499-G-T. GRCh37 (hg19) VCF-style: chr11-47369050-G-T.
Other names: c.852-20C>A (LRG_386t1, NM_000256.3).
Identifiers: ClinVar variation 522302 (VCV000522302.12), dbSNP rs371941585, ClinGen allele CA057173.
Genomic context (GRCh38, chr11:47,347,499, plus strand): 5'-GTGAGCTGAAGTCCAGAATCCCAGTGTCCTCATGGCTATCACTATGGAGAGGGACCCCCA[G>T]TGAGGCTGCAGTGAGGGACTGGAAAGGGATTAGGAGCAGGATGGGAGTGGAGTGGGGAGG-3'

ClinVar aggregate classification (germline): Benign/Likely benign. Review status: criteria provided, multiple submitters, no conflicts (2 of 4 stars). 7 submissions from 7 submitters: Benign (1); Likely benign (3). 3 of the submissions do not count toward it. Last evaluated 2026-06-08.

Conditions:
Cardiovascular phenotype. Identifiers: MedGen CN230736.
Hypertrophic cardiomyopathy. Also called: HYPERTROPHIC MYOCARDIOPATHY. Identifiers: Orphanet 217569, MedGen C0007194, MeSH D002312, MONDO:0005045, HP:0001639.
Hypertrophic cardiomyopathy 4. Also called: Familial hypertrophic cardiomyopathy 4. Identifiers: MedGen C1861862, MONDO:0007268, OMIM 115197.

Allele frequency attached by ClinVar (database versions not stated): ExAC 0.00002; TOPMed 0.00001.
gnomAD v4.1: 54 of 1,593,008 alleles (0.0034%); highest among the groups gnomAD compares: Non-Finnish European, 0.0046%; no homozygotes.

Submissions (7):

Women's Health and Genetics/Laboratory Corporation of America, LabCorp
Classification: Likely benign. Last evaluated: 2026-06-08. Review status: criteria provided, single submitter. Criteria: LabCorp Variant Classification Summary - May 2015. Collection method: clinical testing. Allele origin: germline.
Comment: Variant summary: MYBPC3 c.852-20C>A alters a non-conserved nucleotide located at a position not widely known to affect splicing. Consensus agreement among computation tools predict no significant impact on normal splicing. However, these predictions have yet to be confirmed by functional studies. The variant allele was found at a frequency of 3.4e-05 in 1586032 control chromosomes in the gnomAD database (v4.1 dataset). This frequency is not significantly higher than estimated for disease-causing variants in MYBPC3, allowing no conclusion about variant significance. To our knowledge, no occurrence of c.852-20C>A in individuals affected with MYBPC3-related conditions and no experimental evidence demonstrating its impact on protein function have been reported. ClinVar contains an entry for this variant (Variation ID: 522302). Based on the evidence outlined above, the variant was classified as likely benign.

Labcorp Genetics (formerly Invitae), Labcorp
Classification: Likely benign for Hypertrophic cardiomyopathy. Last evaluated: 2026-01-20. Review status: criteria provided, single submitter. Criteria: Invitae Variant Classification Sherloc (09022015). Collection method: clinical testing. Allele origin: germline.

Ambry Genetics
Classification: Likely benign for Cardiovascular phenotype. Last evaluated: 2025-04-14. Review status: criteria provided, single submitter. Criteria: Ambry Variant Classification Scheme 2023. Collection method: clinical testing. Allele origin: germline.

Clinical Genetics DNA and cytogenetics Diagnostics Lab, Erasmus MC, Erasmus Medical Center
Classification: Benign for Hypertrophic cardiomyopathy 4. Last evaluated: 2015-09-21. Review status: criteria provided, single submitter. Criteria: ACGS Guidelines, 2013. Collection method: clinical testing. Allele origin: germline. Affected: yes. Study: VKGL Data-share Consensus.

Clinical Genetics, Academic Medical Center
Classification: Benign. Review status: no assertion criteria provided. Collection method: clinical testing. Allele origin: germline. Affected: yes. Study: VKGL Data-share Consensus. Not counted in ClinVar's aggregate classification.

Genome Diagnostics Laboratory, University Medical Center Utrecht
Classification: Likely benign. Review status: no assertion criteria provided. Collection method: clinical testing. Allele origin: germline. Affected: yes. Study: VKGL Data-share Consensus. Not counted in ClinVar's aggregate classification.

Joint Genome Diagnostic Labs from Nijmegen and Maastricht, Radboudumc and MUMC+
Classification: Likely benign. Review status: no assertion criteria provided. Collection method: clinical testing. Allele origin: germline. Affected: yes. Study: VKGL Data-share Consensus. Not counted in ClinVar's aggregate classification.

Literature cited by the submitters: PubMed 15114369 (cited by Women's Health and Genetics/Laboratory Corporation of America, LabCorp and Ambry Genetics); PubMed 36178741 (cited by Women's Health and Genetics/Laboratory Corporation of America, LabCorp and Ambry Genetics).